The following is an entry in ClinVar:

ClinVar aggregate classification (germline): Uncertain significance (1 of 4 stars; one submission).

Conditions:
NRP2-related disorder. Also called: NRP2-related condition.

Submission:

PreventionGenetics, part of Exact Sciences
Classification: Uncertain significance for NRP2-related condition. Last evaluated: 2025-12-05. Review status: criteria provided, single submitter. Criteria: ACMG Guidelines, 2015. Collection method: clinical testing. Allele origin: germline.
Comment: The NRP2 c.2267A>G variant is predicted to result in the amino acid substitution p.His756Arg. To our knowledge, this variant has not been reported in the literature or in a large population database (gnomAD), indicating this variant is rare. At this time, the clinical significance of this variant is uncertain due to the absence of conclusive functional and genetic evidence.

NM_003872.3(NRP2):c.2267A>G (p.His756Arg)

Gene: NRP2 (neuropilin 2; plus strand). Cytogenetic location: 2q33.3.
Variant type: single nucleotide variant.
Coding change: c.2267A>G on transcript NM_003872.3 (MANE Select); coding-DNA position 2267, A replaced by G.
Protein change: p.His756Arg; replaces histidine 756 with arginine.
Molecular consequence: missense variant.
Genome position (GRCh38, 1-based): chr2:205,763,896, A>G. VCF-style: chr2-205763896-A-G. GRCh37 (hg19) VCF-style: chr2-206628620-A-G.
Other names: c.2267A>G, p.His756Arg (NM_018534.4, NM_201266.2, NM_201267.2 and 1 more transcripts); short protein forms H756R.
Identifiers: ClinVar variation 4994597 (VCV004994597.1).